The following is an entry in ClinVar:

ClinVar aggregate classification (germline): Uncertain significance (1 of 4 stars; one submission).

Allele frequency attached by ClinVar (database versions not stated): ExAC 0.00001; gnomAD exomes 0.00001; gnomAD 0.00002; TOPMed 0.00026.
gnomAD v4.1: 39 of 1,611,428 alleles (0.0024%); highest among the groups gnomAD compares: Non-Finnish European, 0.00068%; no homozygotes.

Submission:

Labcorp Genetics (formerly Invitae), Labcorp
Classification: Uncertain significance. Last evaluated: 2022-12-24. Review status: criteria provided, single submitter. Criteria: Invitae Variant Classification Sherloc (09022015). Collection method: clinical testing. Allele origin: germline.
Comment: This sequence change affects codon 5 of the TMEM106B mRNA. It is a 'silent' change, meaning that it does not change the encoded amino acid sequence of the TMEM106B protein. This variant is present in population databases (rs752498806, gnomAD 0.002%). This variant has not been reported in the literature in individuals affected with TMEM106B-related conditions. Algorithms developed to predict the effect of sequence changes on RNA splicing suggest that this variant may disrupt the consensus splice site. In summary, the available evidence is currently insufficient to determine the role of this variant in disease. Therefore, it has been classified as a Variant of Uncertain Significance.

NM_001134232.2(TMEM106B):c.15T>G (p.Leu5=)

Gene: TMEM106B (transmembrane protein 106B; plus strand). Cytogenetic location: 7p21.3.
Variant type: single nucleotide variant.
Coding change: c.15T>G on transcript NM_001134232.2 (MANE Select); coding-DNA position 15, T replaced by G.
Protein change: p.Leu5=; no amino-acid change (leucine 5 retained).
Molecular consequence: synonymous variant.
Genome position (GRCh38, 1-based): chr7:12,214,825, T>G. VCF-style: chr7-12214825-T-G. GRCh37 (hg19) VCF-style: chr7-12254451-T-G.
Other names: c.15T>G, p.Leu5= (NM_018374.4).
Identifiers: ClinVar variation 2919729 (VCV002919729.3), dbSNP rs752498806, ClinGen allele CA4164961.